The following is an entry in ClinVar:

NM_001301071.2(DOK7):c.1499G>A (p.Gly500Glu)

Gene: DOK7 (docking protein 7; plus strand). Cytogenetic location: 4p16.3.
Variant type: single nucleotide variant.
Coding change: c.1499G>A on transcript NM_001301071.2; coding-DNA position 1499, G replaced by A.
Protein change: p.Gly500Glu; replaces glycine 500 with glutamic acid.
Molecular consequence: missense variant.
Genome position (GRCh38, 1-based): chr4:3,496,821, G>A. VCF-style: chr4-3496821-G-A. GRCh37 (hg19) VCF-style: chr4-3498548-G-A.
Other names: c.1067G>A, p.Gly356Glu (NM_001363811.2); short protein forms G356E, G500E.
Identifiers: ClinVar variation 1050158 (VCV001050158.6), dbSNP rs577616504, ClinGen allele CA2829588.

ClinVar aggregate classification (germline): Uncertain significance. Review status: criteria provided, single submitter (1 of 4 stars). 3 submissions from 3 submitters: Uncertain significance (1). 2 of the submissions do not count toward it.

Conditions:
DOK7-related disorder. Also called: DOK7-related condition.

Allele frequency attached by ClinVar (database versions not stated): 1000 Genomes Project 0.00020; ExAC 0.00123; 1000 Genomes Project 30x 0.00062.
gnomAD v4.1: 742 of 1,535,998 alleles (0.048%); highest among the groups gnomAD compares: Admixed American, 0.18%; 1 homozygote.

Submissions (3):

Breakthrough Genomics
Classification: Uncertain significance. Review status: criteria provided, single submitter. Criteria: ACMG Guidelines, 2015. Collection method: not provided. Allele origin: germline. Inheritance: Autosomal recessive inheritance. Affected: yes.

PreventionGenetics, part of Exact Sciences
Classification: Likely benign for DOK7-related condition. Last evaluated: 2023-07-13. Review status: no assertion criteria provided. Collection method: clinical testing. Allele origin: germline. Not counted in ClinVar's aggregate classification.
Comment: This variant is classified as likely benign based on ACMG/AMP sequence variant interpretation guidelines (Richards et al. 2015 PMID: 25741868, with internal and published modifications).

Department of Pathology and Laboratory Medicine, Sinai Health System
Classification: Uncertain significance. Review status: no assertion criteria provided. Collection method: clinical testing. Allele origin: unknown. Affected: yes. Study: The Canadian Open Genetics Repository (COGR). Not counted in ClinVar's aggregate classification.
Comment: The DOK7 p.Gly500Glu variant was not identified in the literature nor was it identified in ClinVar or Cosmic. The variant was identified in dbSNP (ID: rs577616504) and LOVD 3.0. The variant was identified in control databases in 126 of 169002 chromosomes at a frequency of 0.000746 increasing the likelihood this could be a low frequency benign variant (Genome Aggregation Database Feb 27, 2017). The variant was observed in the following populations: Ashkenazi Jewish in 52 of 8578 chromosomes (freq: 0.006062), Latino in 39 of 25304 chromosomes (freq: 0.001541), Other in 5 of 5322 chromosomes (freq: 0.00094), African in 7 of 15216 chromosomes (freq: 0.00046), European (non-Finnish) in 21 of 69516 chromosomes (freq: 0.000302) and South Asian in 2 of 22492 chromosomes (freq: 0.000089); it was not observed in the East Asian and European (Finnish) populations. The p.Gly500 residue is not conserved in mammals and computational analyses (PolyPhen-2, SIFT, AlignGVGD, BLOSUM, MutationTaster) provide inconsistent predictions regarding the impact to the protein; this information is not very predictive of pathogenicity. The p.Gly500Glu variant occurs in the second base of the exon. This position has been shown to be part of the splicing consensus sequence and variants involving this position sometimes affect splicing. However, in silico or computational prediction software programs (SpliceSiteFinder, MaxEntScan, NNSPLICE, and GeneSplicer) do not predict a difference in splicing. In summary, based on the above information the clinical significance of this variant cannot be determined with certainty at this time. This variant is classified as a variant of uncertain significance.